The following is an entry in ClinVar:

NM_020778.5(ALPK3):c.4969del (p.Gln1657fs)

Gene: ALPK3 (alpha kinase 3; plus strand). Cytogenetic location: 15q25.3.
Variant type: Deletion.
Coding change: c.4969del on transcript NM_020778.5 (MANE Select); coding-DNA position 4969, one base deleted (C; older notation c.4969delC).
Protein change: p.Gln1657fs; shifts the reading frame from glutamine 1657.
Molecular consequence: frameshift variant.
Genome position (GRCh38, 1-based): chr15:84,868,307, C deleted; the last of 4 consecutive C bases (chr15:84,868,304-84,868,307); deleting any one gives the same sequence. VCF-style (leftmost placement, unchanged base first): chr15-84868303-GC-G. GRCh37 (hg19) VCF-style: chr15-85411534-GC-G.
Other names: short protein forms Q1657fs.
Identifiers: ClinVar variation 1748387 (VCV001748387.2), dbSNP rs2505733605, ClinGen allele CA2580090107.

ClinVar aggregate classification (germline): Uncertain significance (1 of 4 stars; one submission).

Conditions:
Cardiovascular phenotype. Identifiers: MedGen CN230736.

Submission:

Ambry Genetics
Classification: Uncertain significance for Cardiovascular phenotype. Last evaluated: 2020-07-29. Review status: criteria provided, single submitter. Criteria: Ambry Variant Classification Scheme 2023. Collection method: clinical testing. Allele origin: germline.
Comment: The c.5575delC variant, located in coding exon 14 of the ALPK3 gene, results from a deletion of one nucleotide at nucleotide position 5575, causing a translational frameshift with a predicted alternate stop codon (p.Q1859Rfs*99).This alteration occurs at the 3' terminus of theALPK3 gene, is not expected to trigger nonsense-mediated mRNAdecay, and only impacts the last 2% (50 amino acids) of the protein. The exact functional effect of this alteration is unknown. Since supporting evidence is limited at this time, the clinical significance of this alteration remains unclear.